The following is an entry in ClinVar:

ClinVar aggregate classification (germline): Likely benign (1 of 4 stars; one submission).

Allele frequency attached by ClinVar (database versions not stated): ExAC 0.00006; ESP Exome Variant Server 0.00008; gnomAD 0.00009; TOPMed 0.00011; gnomAD exomes 0.00013.
gnomAD v4.1: 208 of 1,614,042 alleles (0.013%); highest among the groups gnomAD compares: Non-Finnish European, 0.012%; no homozygotes.

Submission:

CeGaT Center for Human Genetics Tuebingen
Classification: Likely benign. Last evaluated: 2024-01-01. Review status: criteria provided, single submitter. Criteria: CeGaT Center For Human Genetics Tuebingen Variant Classification Criteria Version 2. Collection method: clinical testing. Allele origin: germline. Affected: yes. Observed: 1 variant allele.
Comment: SPEN: BP4, BS1

NM_015001.3(SPEN):c.4994C>T (p.Ala1665Val)

Gene: SPEN (spen family transcriptional repressor; plus strand). Cytogenetic location: 1p36.13.
Variant type: single nucleotide variant.
Coding change: c.4994C>T on transcript NM_015001.3 (MANE Select); coding-DNA position 4994, C replaced by T.
Protein change: p.Ala1665Val; replaces alanine 1665 with valine.
Molecular consequence: missense variant.
Genome position (GRCh38, 1-based): chr1:15,931,234, C>T. VCF-style: chr1-15931234-C-T. GRCh37 (hg19) VCF-style: chr1-16257729-C-T.
Other names: short protein forms A1665V.
Identifiers: ClinVar variation 3025203 (VCV003025203.22), dbSNP rs199930614, ClinGen allele CA619654.